The following is an entry in ClinVar:

ClinVar aggregate classification (germline): Pathogenic (1 of 4 stars; one submission).

Conditions:
Fucosidosis. Also called: ALPHA-L-FUCOSIDASE DEFICIENCY. Identifiers: Orphanet 349, MedGen C0016788, MONDO:0009254, OMIM 230000.

Submission:

Labcorp Genetics (formerly Invitae), Labcorp
Classification: Pathogenic for Fucosidosis. Last evaluated: 2023-10-29. Review status: criteria provided, single submitter. Criteria: Invitae Variant Classification Sherloc (09022015). Collection method: clinical testing. Allele origin: germline.
Comment: This sequence change creates a premature translational stop signal (p.Asn154Glyfs*28) in the FUCA1 gene. It is expected to result in an absent or disrupted protein product. Loss-of-function variants in FUCA1 are known to be pathogenic (PMID: 10094192). This variant is not present in population databases (gnomAD no frequency). This variant has not been reported in the literature in individuals affected with FUCA1-related conditions. For these reasons, this variant has been classified as Pathogenic.

Literature cited by the submitters: PubMed 10094192.

NM_000147.5(FUCA1):c.460_475del (p.Asn154fs)

Genes: FUCA1 (alpha-L-fucosidase 1; minus strand), LOC126805661 (BRD4-independent group 4 enhancer GRCh37_chr1:24191742-24192941; plus strand). Cytogenetic location: 1p36.11.
Variant type: Deletion.
Coding change: c.460_475del on transcript NM_000147.5 (MANE Select); coding-DNA positions 460 to 475, 16 bases deleted (AACTCCAAAGACGTGG).
Protein change: p.Asn154fs; shifts the reading frame from asparagine 154.
Molecular consequence: frameshift variant. On other transcripts: non-coding transcript variant (4).
Genome position (GRCh38, 1-based): chr1:23,865,540-23,865,555, CCACGTCTTTGGAGTT deleted on the plus strand (AACTCCAAAGACGTGG on the coding strand, the reverse complement: FUCA1 is on the minus strand); deleting any 16 consecutive bases within chr1:23,865,540-23,865,558 gives the same sequence; the c. name uses the placement nearest the transcript's 3' end. VCF-style (leftmost placement, unchanged base first): chr1-23865539-CCCACGTCTTTGGAGTT-C. GRCh37 (hg19) VCF-style: chr1-24192029-CCCACGTCTTTGGAGTT-C.
Other names: short protein forms N154fs.
Identifiers: ClinVar variation 2910847 (VCV002910847.3), dbSNP rs2521745475, ClinGen allele CA2739272430.
Genomic context (GRCh38, chr1:23,865,539, plus strand): 5'-CTGGACACTCACCTCTTCCGGAGAGCTGTTCCCAATTCACCAACCAAATCCCGATGAGGC[CCCACGTCTTTGGAGTT>C]CCAGTTCCAAGACACAGGACTCGGCCAGTTTGTGAAGCCTTCGTGATGCTTTGTCGTCAA-3'